The following is an entry in ClinVar:

ClinVar aggregate classification (germline): Uncertain significance (1 of 4 stars; one submission).

Conditions:
Lethal multiple pterygium syndrome (LMPS). Identifiers: Orphanet 33108, MedGen C1854678, MONDO:0009668, OMIM 253290.

Submission:

Labcorp Genetics (formerly Invitae), Labcorp
Classification: Uncertain significance for Lethal multiple pterygium syndrome. Last evaluated: 2022-03-02. Review status: criteria provided, single submitter. Criteria: Invitae Variant Classification Sherloc (09022015). Collection method: clinical testing. Allele origin: germline.
Comment: This variant has not been reported in the literature in individuals affected with CHRNA1-related conditions. This variant is not present in population databases (gnomAD no frequency). This sequence change replaces valine, which is neutral and non-polar, with alanine, which is neutral and non-polar, at codon 275 of the CHRNA1 protein (p.Val275Ala). In summary, the available evidence is currently insufficient to determine the role of this variant in disease. Therefore, it has been classified as a Variant of Uncertain Significance. Advanced modeling of protein sequence and biophysical properties (such as structural, functional, and spatial information, amino acid conservation, physicochemical variation, residue mobility, and thermodynamic stability) performed at Invitae indicates that this missense variant is expected to disrupt CHRNA1 protein function.

NM_000079.4(CHRNA1):c.824T>C (p.Val275Ala)

Gene: CHRNA1 (cholinergic receptor nicotinic alpha 1 subunit; minus strand). Cytogenetic location: 2q31.1.
Variant type: single nucleotide variant.
Coding change: c.824T>C on transcript NM_000079.4 (MANE Select); coding-DNA position 824, T replaced by C.
Protein change: p.Val275Ala; replaces valine 275 with alanine.
Molecular consequence: missense variant.
Genome position (GRCh38, 1-based): chr2:174,750,124, A>G on the plus strand (T>C on the coding strand, the complement: CHRNA1 is on the minus strand). VCF-style: chr2-174750124-A-G. GRCh37 (hg19) VCF-style: chr2-175614852-A-G.
Other names: c.899T>C, p.Val300Ala (NM_001039523.3); short protein forms V275A, V300A.
Identifiers: ClinVar variation 1405548 (VCV001405548.8), dbSNP rs2105345399, ClinGen allele CA349336873.
Genomic context (GRCh38, chr2:174,750,124, plus strand): 5'-CCAATCAAGGGCACAGCACTGGACGTGGAGGGGATCAGCTCCACGATGACCAGAAGGAAC[A>G]CAGTCAAAGACAGTAAGACAGAGATGCTCAGAGTCATCTTCTCCCCTGAAAAGACCAAAA-3'
Protein context (NP_000070.1, residues 265-285): LSISVLLSLT[Val275Ala]FLLVIVELIP